The following is an entry in ClinVar:

NM_000169.3(GLA):c.509A>T (p.Asp170Val)

Genes: GLA (galactosidase alpha; minus strand), RPL36A-HNRNPH2 (RPL36A-HNRNPH2 readthrough; plus strand). Cytogenetic location: Xq22.1.
Variant type: single nucleotide variant.
Coding change: c.509A>T on transcript NM_000169.3 (MANE Select); coding-DNA position 509, A replaced by T.
Protein change: p.Asp170Val; replaces aspartic acid 170 with valine.
Molecular consequence: missense variant. On other transcripts: non-coding transcript variant (3), intron variant (2).
Genome position (GRCh38, 1-based): chrX:101,401,670, T>A on the plus strand (A>T on the coding strand, the complement: GLA is on the minus strand). VCF-style: chrX-101401670-T-A. GRCh37 (hg19) VCF-style: chrX-100656658-T-A.
Other names: c.632A>T, p.Asp211Val (NM_001406747.1, NM_001406749.1); c.509A>T, p.Asp170Val (NM_001406748.1); c.300+6213T>A (NM_001199973.2); c.177+9848T>A (NM_001199974.2); short protein forms D170V, D211V.
Identifiers: ClinVar variation 4087402 (VCV004087402.2).

ClinVar aggregate classification (germline): Pathogenic (1 of 4 stars; one submission).

Conditions:
Fabry disease. Also called: ALPHA-GALACTOSIDASE A DEFICIENCY; ANDERSON-FABRY DISEASE; CERAMIDE TRIHEXOSIDASE DEFICIENCY; GLA DEFICIENCY; HEREDITARY DYSTOPIC LIPIDOSIS; Angiokeratoma corporis diffusum. Identifiers: Orphanet 324, MedGen C0002986, MONDO:0010526, OMIM 301500, HP:0001071. Disease mechanism: Fabry disease is due to inactivating mutations in the X-linked GLA gene resulting in deficiency of the enzyme Alpha Galactosidase-A., loss of function.

Submission:

Genomenon, Inc
Classification: Pathogenic for Fabry disease. Last evaluated: 2026-09-08. Review status: criteria provided, single submitter. Criteria: Genomenon Sequence Variant Interpretation Standards - Updated. Collection method: curation. Allele origin: germline. Affected: yes.
Comment: GLA p.Asp170Val (c.509A>T) is a missense variant that changes the amino acid at codon 170 from Aspartic acid to Valine. This variant has been observed in at least one proband with clinical features consistent with Fabry disease (PMID:9100224;29631605;36165155). At least one functional study has demonstrated a substantial alteration in protein function relative to the wild-type (PMID:21598360;27657681). This variant is located in a mutational hotspot and/or important functional domain. It is absent or not present at a significant frequency in gnomAD. In silico models predict that this variant is possibly or probably damaging. In conclusion, we classify GLA p.Asp170Val (c.509A>T) as a pathogenic variant.

Literature cited by the submitters: PubMed 9100224; PubMed 29631605; PubMed 36165155; PubMed 21598360; PubMed 27657681.